The following is an entry in ClinVar:

ClinVar aggregate classification (germline): Uncertain significance (1 of 4 stars; one submission).

Submission:

Labcorp Genetics (formerly Invitae), Labcorp
Classification: Uncertain significance. Last evaluated: 2024-10-22. Review status: criteria provided, single submitter. Criteria: Invitae Variant Classification Sherloc (09022015). Collection method: clinical testing. Allele origin: germline.
Comment: This sequence change replaces asparagine, which is neutral and polar, with histidine, which is basic and polar, at codon 3340 of the TRRAP protein (p.Asn3340His). This variant is not present in population databases (gnomAD no frequency). This variant has not been reported in the literature in individuals affected with TRRAP-related conditions. ClinVar contains an entry for this variant (Variation ID: 2074062). Invitae Evidence Modeling of protein sequence and biophysical properties (such as structural, functional, and spatial information, amino acid conservation, physicochemical variation, residue mobility, and thermodynamic stability) indicates that this missense variant is not expected to disrupt TRRAP protein function with a negative predictive value of 80%. In summary, the available evidence is currently insufficient to determine the role of this variant in disease. Therefore, it has been classified as a Variant of Uncertain Significance.

NM_001375524.1(TRRAP):c.10147A>C (p.Asn3383His)

Gene: TRRAP (transformation/transcription domain associated protein; plus strand). Cytogenetic location: 7q22.1.
Variant type: single nucleotide variant.
Coding change: c.10147A>C on transcript NM_001375524.1 (MANE Select); coding-DNA position 10147, A replaced by C.
Protein change: p.Asn3383His; replaces asparagine 3383 with histidine.
Molecular consequence: missense variant.
Genome position (GRCh38, 1-based): chr7:98,994,686, A>C. VCF-style: chr7-98994686-A-C. GRCh37 (hg19) VCF-style: chr7-98592309-A-C.
Other names: c.10105A>C, p.Asn3369His (NM_001244580.2); c.10018A>C, p.Asn3340His (NM_003496.4); short protein forms N3340H, N3369H, N3383H.
Identifiers: ClinVar variation 2074062 (VCV002074062.4), dbSNP rs2485014843, ClinGen allele CA368332537.